The following is an entry in ClinVar:

NM_006303.4(AIMP2):c.402C>G (p.Ser134=)

Gene: AIMP2 (aminoacyl tRNA synthetase complex interacting multifunctional protein 2; plus strand). Cytogenetic location: 7p22.1.
Variant type: single nucleotide variant.
Coding change: c.402C>G on transcript NM_006303.4 (MANE Select); coding-DNA position 402, C replaced by G.
Protein change: p.Ser134=; no amino-acid change (serine 134 retained).
Molecular consequence: synonymous variant.
Genome position (GRCh38, 1-based): chr7:6,017,873, C>G. VCF-style: chr7-6017873-C-G. GRCh37 (hg19) VCF-style: chr7-6057504-C-G.
Other names: c.402C>G (NM_006303.3); c.282C>G, p.Ser94= (NM_001326606.2); c.195C>G, p.Ser65= (NM_001326607.2); c.168C>G, p.Ser56= (NM_001326609.2, NM_001326610.2, NM_001326611.3); c.315C>G, p.Ser105= (NM_001362785.2); c.270C>G, p.Ser90= (NM_001362787.2).
Identifiers: ClinVar variation 4895212 (VCV004895212.2).

ClinVar aggregate classification (germline): Likely benign. Review status: criteria provided, multiple submitters, no conflicts (2 of 4 stars). 2 submissions from 2 submitters: Likely benign (2). Last evaluated 2025-12-30.

Conditions:
AIMP2-related disorder. Also called: AIMP2-related condition.

gnomAD v4.1: 132 of 1,614,028 alleles (0.0082%); highest among the groups gnomAD compares: South Asian, 0.14%; no homozygotes.

Submissions (2):

PreventionGenetics, part of Exact Sciences
Classification: Likely benign for AIMP2-related condition. Last evaluated: 2025-12-30. Review status: criteria provided, single submitter. Criteria: ACMG Guidelines, 2015. Collection method: clinical testing. Allele origin: germline.
Comment: This variant is classified as likely benign based on ACMG/AMP sequence variant interpretation guidelines (Richards et al. 2015 PMID: 25741868, with internal and published modifications).

Blueprint Genetics
Classification: Likely benign. Last evaluated: 2024-10-08. Review status: criteria provided, single submitter. Criteria: ACMG Guidelines, 2015. Collection method: clinical testing. Allele origin: germline.